The following is an entry in ClinVar:

ClinVar aggregate classification (germline): Uncertain significance (1 of 4 stars; one submission).

Allele frequency attached by ClinVar (database versions not stated): gnomAD exomes below 0.00001.
gnomAD v4.1: 1 of 1,614,236 alleles (0.000062%); no homozygotes.

Submission:

Labcorp Genetics (formerly Invitae), Labcorp
Classification: Uncertain significance. Last evaluated: 2020-08-08. Review status: criteria provided, single submitter. Criteria: Invitae Variant Classification Sherloc (09022015). Collection method: clinical testing. Allele origin: germline.
Comment: In summary, the available evidence is currently insufficient to determine the role of this variant in disease. Therefore, it has been classified as a Variant of Uncertain Significance. Algorithms developed to predict the effect of missense changes on protein structure and function are either unavailable or do not agree on the potential impact of this missense change (SIFT: "Deleterious"; PolyPhen-2: "Possibly Damaging"; Align-GVGD: "Class C0"). This variant has not been reported in the literature in individuals with CAPN5-related conditions. This variant is not present in population databases (ExAC no frequency). This sequence change replaces glutamic acid with lysine at codon 164 of the CAPN5 protein (p.Glu164Lys). The glutamic acid residue is moderately conserved and there is a small physicochemical difference between glutamic acid and lysine.

NM_004055.5(CAPN5):c.490G>A (p.Glu164Lys)

Gene: CAPN5 (calpain 5; plus strand). Cytogenetic location: 11q13.5.
Variant type: single nucleotide variant.
Coding change: c.490G>A on transcript NM_004055.5 (MANE Select); coding-DNA position 490, G replaced by A.
Protein change: p.Glu164Lys; replaces glutamic acid 164 with lysine.
Molecular consequence: missense variant.
Genome position (GRCh38, 1-based): chr11:77,112,781, G>A. VCF-style: chr11-77112781-G-A. GRCh37 (hg19) VCF-style: chr11-76823827-G-A.
Other names: short protein forms E164K.
Identifiers: ClinVar variation 1034692 (VCV001034692.8), dbSNP rs1950425385, ClinGen allele CA381937403.